The following is an entry in ClinVar:

ClinVar aggregate classification (germline): Pathogenic. Review status: criteria provided, multiple submitters, no conflicts (2 of 4 stars). 2 submissions from 2 submitters: Pathogenic (2). Last evaluated 2024-02-18.

Conditions:
Chromosome 2q32-q33 deletion syndrome (GLASS). Also called: Glass syndrome; 2q33.1 deletion syndrome. Identifiers: Orphanet 251019, MedGen C2676739, MONDO:0012864, OMIM 612313.

Submissions (2):

GeneDx
Classification: Pathogenic. Last evaluated: 2024-02-18. Review status: criteria provided, single submitter. Criteria: GeneDx Variant Classification Process June 2021. Collection method: clinical testing. Allele origin: germline. Affected: yes.
Comment: Canonical splice site variant predicted to result in an in-frame loss of the adjacent exon in a gene for which loss of function is a known mechanism of disease; Not observed at significant frequency in large population cohorts (gnomAD); This variant is associated with the following publications: (PMID: 33004838, 29436146)

Institute of Human Genetics, University of Leipzig Medical Center
Classification: Pathogenic for Chromosome 2q32-q33 deletion syndrome. Last evaluated: 2023-08-24. Review status: criteria provided, single submitter. Criteria: ACMG Guidelines, 2015. Collection method: clinical testing. Allele origin: unknown. Inheritance: Autosomal dominant inheritance. Affected: yes.
Comment: Criteria applied: PVS1,PS2,PM2_SUP

NM_001172509.2(SATB2):c.1174-2A>G

Gene: SATB2 (SATB homeobox 2; minus strand). Cytogenetic location: 2q33.1.
Variant type: single nucleotide variant.
Coding change: c.1174-2A>G on transcript NM_001172509.2 (MANE Select); the canonical splice acceptor site of the intron before coding-DNA position 1174, A replaced by G.
Molecular consequence: splice acceptor variant.
Genome position (GRCh38, 1-based): chr2:199,328,912, T>C on the plus strand (A>G on the coding strand, the complement: SATB2 is on the minus strand). VCF-style: chr2-199328912-T-C. GRCh37 (hg19) VCF-style: chr2-200193635-T-C.
Other names: c.1174-2A>G (NM_001172517.1, NM_015265.4).
Identifiers: ClinVar variation 2578422 (VCV002578422.3), dbSNP rs2468868528, ClinGen allele CA350386599.
Genomic context (GRCh38, chr2:199,328,912, plus strand): 5'-AGAGACTGAGAGGCTGTCCGAGGGTCTTCTTCCTTACGCAGAATCTCAGACAACAATCCC[T>C]GATTAAATGGGGGAAAAAAACAGACCAAGTCACATTTGCAGGTATATGTGTGTGGTTTCT-3'